The following is an entry in ClinVar:

ClinVar aggregate classification (germline): Pathogenic (1 of 4 stars; one submission).

Conditions:
Joubert syndrome. Also called: CEREBELLOPARENCHYMAL DISORDER IV; JOUBERT-BOLTSHAUSER SYNDROME; Familial aplasia of the vermis. Identifiers: Orphanet 475, MedGen C5979921, MONDO:0018772.

Submission:

Labcorp Genetics (formerly Invitae), Labcorp
Classification: Pathogenic for Joubert syndrome. Last evaluated: 2023-03-17. Review status: criteria provided, single submitter. Criteria: Invitae Variant Classification Sherloc (09022015). Collection method: clinical testing. Allele origin: germline.
Comment: For these reasons, this variant has been classified as Pathogenic. Algorithms developed to predict the effect of sequence changes on RNA splicing suggest that this variant may disrupt the consensus splice site. This variant has not been reported in the literature in individuals affected with AHI1-related conditions. This variant is not present in population databases (gnomAD no frequency). This sequence change creates a premature translational stop signal (p.Leu345*) in the AHI1 gene. It is expected to result in an absent or disrupted protein product. Loss-of-function variants in AHI1 are known to be pathogenic (PMID: 15322546, 16453322, 28442542, 29186038).

Literature cited by the submitters: PubMed 15322546; PubMed 16453322; PubMed 28442542; PubMed 29186038.

NM_001134831.2(AHI1):c.1034T>A (p.Leu345Ter)

Gene: AHI1 (Abelson helper integration site 1; minus strand). Cytogenetic location: 6q23.3.
Variant type: single nucleotide variant.
Coding change: c.1034T>A on transcript NM_001134831.2 (MANE Select); coding-DNA position 1034, T replaced by A.
Protein change: p.Leu345Ter; replaces leucine 345 with a stop codon.
Molecular consequence: nonsense.
Genome position (GRCh38, 1-based): chr6:135,457,611, A>T on the plus strand (T>A on the coding strand, the complement: AHI1 is on the minus strand). VCF-style: chr6-135457611-A-T. GRCh37 (hg19) VCF-style: chr6-135778749-A-T.
Other names: c.1034T>A, p.Leu345Ter (NM_001134830.2, NM_001134832.2, NM_001350503.2 and 2 more transcripts); short protein forms L345*.
Identifiers: ClinVar variation 2846679 (VCV002846679.3), dbSNP rs2484906480, ClinGen allele CA365747827.